The following is an entry in ClinVar:

ClinVar aggregate classification (germline): Uncertain significance (1 of 4 stars; one submission).

Conditions:
TTN-related disorder. Also called: TTN-related disorders; TTN-related condition; TTN-related disease.

gnomAD v4.1: 1 of 1,613,824 alleles (0.000062%); highest among the groups gnomAD compares: Non-Finnish European, 0.000085%; no homozygotes.

Submission:

PreventionGenetics, part of Exact Sciences
Classification: Uncertain significance for TTN-related condition. Last evaluated: 2026-01-06. Review status: criteria provided, single submitter. Criteria: ACMG Guidelines, 2015. Collection method: clinical testing. Allele origin: germline.
Comment: The TTN c.93164A>T variant is predicted to result in the amino acid substitution p.Lys31055Ile. To our knowledge, this variant has not been reported in the literature or in a large population database (gnomAD), indicating this variant is rare. At this time, the clinical significance of this variant is uncertain due to the absence of conclusive functional and genetic evidence.

NM_001267550.2(TTN):c.93164A>T (p.Lys31055Ile)

Genes: TTN (titin; minus strand), TTN-AS1 (TTN antisense RNA 1; plus strand). Cytogenetic location: 2q31.2.
Variant type: single nucleotide variant.
Coding change: c.93164A>T on transcript NM_001267550.2 (MANE Select); coding-DNA position 93164, A replaced by T.
Protein change: p.Lys31055Ile; replaces lysine 31055 with isoleucine.
Molecular consequence: missense variant.
Genome position (GRCh38, 1-based): chr2:178,548,462, T>A on the plus strand (A>T on the coding strand, the complement: TTN is on the minus strand). VCF-style: chr2-178548462-T-A. GRCh37 (hg19) VCF-style: chr2-179413189-T-A.
Other names: c.88241A>T, p.Lys29414Ile (NM_001256850.1); c.65969A>T, p.Lys21990Ile (NM_003319.4); c.85460A>T, p.Lys28487Ile (NM_133378.4); c.66344A>T, p.Lys22115Ile (NM_133432.3); c.66545A>T, p.Lys22182Ile (NM_133437.4); short protein forms K22115I, K28487I, K21990I, K22182I, K29414I, K31055I.
Identifiers: ClinVar variation 4982021 (VCV004982021.1).
Genomic context (GRCh38, chr2:178,548,462, plus strand): 5'-AAGATCTGACGAGTGCATTTTTCACTGATAACCTGCCAACTACGGCGACTTGCCTCTCGT[T>A]TCTCTACCACATAATGATGGATTCGGGCACCACCGTCAAGAAGAGGGGCATCCCACATCA-3'
Protein context (NP_001254479.2, residues 31045-31065): GARIHHYVVE[Lys31055Ile]REASRRSWQV